The following is an entry in ClinVar:

ClinVar aggregate classification (germline): Uncertain significance. Review status: criteria provided, multiple submitters, no conflicts (2 of 4 stars). 2 submissions from 2 submitters: Uncertain significance (2). Last evaluated 2024-03-06.

Conditions:
Hereditary nonpolyposis colorectal neoplasms. Identifiers: MedGen C0009405, MeSH D003123.
Lynch syndrome. Identifiers: Orphanet 144, MedGen C4552100, MONDO:0005835. Disease mechanism: loss of function.

Allele frequency attached by ClinVar (database versions not stated): gnomAD exomes below 0.00001.
gnomAD v4.1: 1 of 1,613,934 alleles (0.000062%); highest among the groups gnomAD compares: Non-Finnish European, 0.000085%; no homozygotes.

Submissions (2):

Labcorp Genetics (formerly Invitae), Labcorp
Classification: Uncertain significance for Hereditary nonpolyposis colorectal neoplasms. Last evaluated: 2024-03-06. Review status: criteria provided, single submitter. Criteria: Invitae Variant Classification Sherloc (09022015). Collection method: clinical testing. Allele origin: germline.
Comment: This sequence change replaces glutamic acid, which is acidic and polar, with aspartic acid, which is acidic and polar, at codon 446 of the MSH6 protein (p.Glu446Asp). This variant is not present in population databases (gnomAD no frequency). This missense change has been observed in individual(s) with Lynch syndrome (PMID: 28874130). ClinVar contains an entry for this variant (Variation ID: 89188). Advanced modeling of protein sequence and biophysical properties (such as structural, functional, and spatial information, amino acid conservation, physicochemical variation, residue mobility, and thermodynamic stability) performed at Invitae indicates that this missense variant is not expected to disrupt MSH6 protein function with a negative predictive value of 95%. In summary, the available evidence is currently insufficient to determine the role of this variant in disease. Therefore, it has been classified as a Variant of Uncertain Significance.

Clinical and Functional Genomics Group, A.C.Camargo Cancer Center
Classification: Uncertain significance for Lynch syndrome. Last evaluated: 2019-01-30. Review status: criteria provided, single submitter. Criteria: Carneiro da Silva F et al. (PLoS One 2015). Collection method: research. Allele origin: germline. Affected: yes. Observed: 1 variant allele.

Literature cited by the submitters: PubMed 28874130 (cited by Labcorp Genetics (formerly Invitae), Labcorp).

NM_000179.3(MSH6):c.1338A>T (p.Glu446Asp)

Gene: MSH6 (mutS homolog 6; plus strand). Cytogenetic location: 2p16.3.
Variant type: single nucleotide variant.
Coding change: c.1338A>T on transcript NM_000179.3 (MANE Select); coding-DNA position 1338, A replaced by T.
Protein change: p.Glu446Asp; replaces glutamic acid 446 with aspartic acid.
Molecular consequence: missense variant.
Genome position (GRCh38, 1-based): chr2:47,799,321, A>T. VCF-style: chr2-47799321-A-T. GRCh37 (hg19) VCF-style: chr2-48026460-A-T.
Other names: c.948A>T, p.Glu316Asp (NM_001281492.2); c.432A>T, p.Glu144Asp (NM_001281493.2, NM_001281494.2); short protein forms E446D, E316D, E144D.
Identifiers: ClinVar variation 89188 (VCV000089188.6), dbSNP rs587779211, ClinGen allele CA008501.